The following is an entry in ClinVar:

NM_000531.6(OTC):c.116G>T (p.Gly39Val)

Gene: OTC (ornithine transcarbamylase; plus strand). Cytogenetic location: Xp11.4.
Variant type: single nucleotide variant.
Coding change: c.116G>T on transcript NM_000531.6 (MANE Select); coding-DNA position 116, G replaced by T.
Protein change: p.Gly39Val; replaces glycine 39 with valine.
Molecular consequence: missense variant.
Genome position (GRCh38, 1-based): chrX:38,367,329, G>T. VCF-style: chrX-38367329-G-T. GRCh37 (hg19) VCF-style: chrX-38226582-G-T.
Other names: c.116G>T, p.Gly39Val (NM_001407092.1); short protein forms G39V.
Identifiers: ClinVar variation 3238734 (VCV003238734.3), dbSNP rs1602014500.

ClinVar aggregate classification (germline): Likely pathogenic. Review status: criteria provided, multiple submitters, no conflicts (2 of 4 stars). 2 submissions from 2 submitters: Likely pathogenic (2). Last evaluated 2022-01-20.

Conditions:
OTC-related disorder. Also called: OTC-related condition.
Ornithine carbamoyltransferase deficiency (OTCD). Also called: ORNITHINE TRANSCARBAMYLASE DEFICIENCY; ORNITHINE TRANSCARBAMYLASE DEFICIENCY, HYPERAMMONEMIA DUE TO; OTC DEFICIENCY; Ornithine Carbamoyltransferase Deficiency Disease. Identifiers: Orphanet 664, MedGen C0268542, MONDO:0010703, OMIM 311250.

Submissions (2):

Blueprint Genetics
Classification: Likely pathogenic for OTC-related disorders. Last evaluated: 2022-01-20. Review status: criteria provided, single submitter. Criteria: ACMG Guidelines, 2015. Collection method: clinical testing. Allele origin: germline. Affected: yes. Observed: 1 variant allele.

Laboratory of Basic Medicine, Dongfang Hospital of Xiamen University
Classification: Likely pathogenic for Ornithine carbamoyltransferase deficiency. Review status: criteria provided, single submitter. Criteria: ACMG Guidelines, 2015. Collection method: clinical testing. Allele origin: germline. Inheritance: X-linked inheritance. Affected: yes. Observed: 1 heterozygote.
Comment: This variant has been reported in 1 proband with OTCD (PMID: 32034732), and was found in 3 patients in an OTCD family in our lab (PS4_Moderate). Another missense variant (p.Gly39Ala and p.Gly39Asp) in the same codon have been reported in OTCD patients (PMID: 19138872, 33309754, 34014569), and p.Gly39Ala has been classified as Likely Pathogenic in clinvar (Variation ID: 915469) (PM5). The REVEL of this variant is 0.885 (PP3). This variant is absent from gnomAD v2.1.1 (PM2_Supporting).